The following is an entry in ClinVar:

NM_001127453.2(GSDME):c.1009G>A (p.Gly337Ser)

Gene: GSDME (gasdermin E; minus strand). Cytogenetic location: 7p15.3.
Variant type: single nucleotide variant.
Coding change: c.1009G>A on transcript NM_001127453.2 (MANE Select); coding-DNA position 1009, G replaced by A.
Protein change: p.Gly337Ser; replaces glycine 337 with serine.
Molecular consequence: missense variant.
Genome position (GRCh38, 1-based): chr7:24,706,358, C>T on the plus strand (G>A on the coding strand, the complement: GSDME is on the minus strand). VCF-style: chr7-24706358-C-T. GRCh37 (hg19) VCF-style: chr7-24745977-C-T.
Other names: c.517G>A, p.Gly173Ser (NM_001127454.2); c.1009G>A, p.Gly337Ser (NM_004403.3); c.1009G>A (NM_004403.2); short protein forms G173S, G337S.
Identifiers: ClinVar variation 2730552 (VCV002730552.6), dbSNP rs377050475, ClinGen allele CA4191431.

ClinVar aggregate classification (germline): Uncertain significance. Review status: criteria provided, multiple submitters, no conflicts (2 of 4 stars). 3 submissions from 3 submitters: Uncertain significance (3). Last evaluated 2025-07-02.

Conditions:
Inborn genetic diseases. Identifiers: MedGen C0950123, MeSH D030342.

Allele frequency attached by ClinVar (database versions not stated): TOPMed 0.00018; 1000 Genomes Project 0.00020; ExAC 0.00005; gnomAD 0.00009; ESP Exome Variant Server 0.00015; 1000 Genomes Project 30x 0.00016.
gnomAD v4.1: 97 of 1,612,860 alleles (0.006%); highest among the groups gnomAD compares: Admixed American, 0.017%; 1 homozygote.

Submissions (3):

Labcorp Genetics (formerly Invitae), Labcorp
Classification: Uncertain significance. Last evaluated: 2025-07-02. Review status: criteria provided, single submitter. Criteria: Invitae Variant Classification Sherloc (09022015). Collection method: clinical testing. Allele origin: germline.
Comment: This sequence change replaces glycine, which is neutral and non-polar, with serine, which is neutral and polar, at codon 337 of the DFNA5 protein (p.Gly337Ser). The frequency data for this variant in the population databases is considered unreliable, as metrics indicate poor data quality at this position in the gnomAD database. This variant has not been reported in the literature in individuals affected with DFNA5-related conditions. ClinVar contains an entry for this variant (Variation ID: 2730552). Invitae Evidence Modeling of protein sequence and biophysical properties (such as structural, functional, and spatial information, amino acid conservation, physicochemical variation, residue mobility, and thermodynamic stability) indicates that this missense variant is not expected to disrupt DFNA5 protein function with a negative predictive value of 80%. In summary, the available evidence is currently insufficient to determine the role of this variant in disease. Therefore, it has been classified as a Variant of Uncertain Significance.

GeneDx
Classification: Uncertain significance. Last evaluated: 2025-02-07. Review status: criteria provided, single submitter. Criteria: GeneDx Variant Classification Process June 2021. Collection method: clinical testing. Allele origin: germline. Affected: yes.
Comment: In silico analysis indicates that this missense variant does not alter protein structure/function; Has not been previously published as pathogenic or benign to our knowledge

Ambry Genetics
Classification: Uncertain significance for Inborn genetic diseases. Last evaluated: 2024-02-21. Review status: criteria provided, single submitter. Criteria: Ambry Variant Classification Scheme 2023. Collection method: clinical testing. Allele origin: germline.